The following is an entry in ClinVar:

NM_015272.5(RPGRIP1L):c.2045T>G (p.Val682Gly)

Gene: RPGRIP1L (RPGRIP1 like; minus strand). Cytogenetic location: 16q12.2.
Variant type: single nucleotide variant.
Coding change: c.2045T>G on transcript NM_015272.5 (MANE Select); coding-DNA position 2045, T replaced by G.
Protein change: p.Val682Gly; replaces valine 682 with glycine.
Molecular consequence: missense variant.
Genome position (GRCh38, 1-based): chr16:53,652,642, A>C on the plus strand (T>G on the coding strand, the complement: RPGRIP1L is on the minus strand). VCF-style: chr16-53652642-A-C. GRCh37 (hg19) VCF-style: chr16-53686554-A-C.
Other names: c.2045T>G, p.Val682Gly (NM_001127897.4, NM_001308334.3, NM_001330538.2); short protein forms V682G.
Identifiers: ClinVar variation 3066340 (VCV003066340.1), dbSNP rs1248595505, ClinGen allele CA395916768.
Genomic context (GRCh38, chr16:53,652,642, plus strand): 5'-TCGTGAAATTTTAATTGACATGCTGCAATTGTTTCATATTCTGTGCTATAAGCCTGGTGG[A>C]CCTCAAGGGTGATAGTATTCTTCTGAATATATTGCAAAAATAAGTCATTAACATGAACAA-3'
Protein context (NP_056087.2, residues 672-692): YIQKNTITLE[Val682Gly]HQAYSTEYET

ClinVar aggregate classification (germline): Uncertain significance (1 of 4 stars; one submission).

Conditions:
Meckel syndrome, type 5 (MKS5). Identifiers: Orphanet 564, MedGen C1969052, MONDO:0012695, OMIM 611561.

Allele frequency attached by ClinVar (database versions not stated): gnomAD exomes below 0.00001; TOPMed below 0.00001.
gnomAD v4.1: 2 of 1,613,618 alleles (0.00012%); highest among the groups gnomAD compares: Non-Finnish European, 0.00017%; no homozygotes.

Submission:

MVZ Medizinische Genetik Mainz
Classification: Uncertain significance for Meckel syndrome, type 5. Last evaluated: 2022-08-11. Review status: criteria provided, single submitter. Criteria: UK Practice Guidelines For Variant Classification V4 01 2020. Collection method: clinical testing. Allele origin: germline. Inheritance: Autosomal recessive inheritance. Affected: yes. Observed: 1 variant allele.
Comment: ACMG Criteria: PM2_SUP, PP3